The following is an entry in ClinVar:

NM_001384910.1(GUCA1A):c.298G>C (p.Asp100His)

Genes: GUCA1A (guanylate cyclase activator 1A; plus strand), GUCA1ANB-GUCA1A (GUCA1ANB-GUCA1A readthrough; plus strand). Cytogenetic location: 6p21.1.
Variant type: single nucleotide variant.
Coding change: c.298G>C on transcript NM_001384910.1 (MANE Select); coding-DNA position 298, G replaced by C.
Protein change: p.Asp100His; replaces aspartic acid 100 with histidine.
Molecular consequence: missense variant.
Genome position (GRCh38, 1-based): chr6:42,178,376, G>C. VCF-style: chr6-42178376-G-C. GRCh37 (hg19) VCF-style: chr6-42146114-G-C.
Other names: c.298G>C, p.Asp100His (NM_000409.5, NM_001319061.2, NM_001319062.2); short protein forms D100H.
Identifiers: ClinVar variation 2020089 (VCV002020089.4), dbSNP rs2546718483, ClinGen allele CA364109156.

ClinVar aggregate classification (germline): Uncertain significance (1 of 4 stars; one submission).

Submission:

Labcorp Genetics (formerly Invitae), Labcorp
Classification: Uncertain significance. Last evaluated: 2022-09-28. Review status: criteria provided, single submitter. Criteria: Invitae Variant Classification Sherloc (09022015). Collection method: clinical testing. Allele origin: germline.
Comment: This sequence change replaces aspartic acid, which is acidic and polar, with histidine, which is basic and polar, at codon 100 of the GUCA1A protein (p.Asp100His). This variant is not present in population databases (gnomAD no frequency). In summary, the available evidence is currently insufficient to determine the role of this variant in disease. Therefore, it has been classified as a Variant of Uncertain Significance. This variant disrupts the p.Asp100 amino acid residue in GUCA1A. Other variant(s) that disrupt this residue have been determined to be pathogenic (PMID: 19459154, 24566882, 28125083). This suggests that this residue is clinically significant, and that variants that disrupt this residue are likely to be disease-causing. Algorithms developed to predict the effect of missense changes on protein structure and function are either unavailable or do not agree on the potential impact of this missense change (SIFT: "Not Available"; PolyPhen-2: "Probably Damaging"; Align-GVGD: "Not Available"). This variant has not been reported in the literature in individuals affected with GUCA1A-related conditions.

Literature cited by the submitters: PubMed 19459154; PubMed 24566882; PubMed 28125083.